The following is an entry in ClinVar:

ClinVar aggregate classification (germline): Uncertain significance (1 of 4 stars; one submission).

Allele frequency attached by ClinVar (database versions not stated): gnomAD exomes below 0.00001; ExAC 0.00001.
gnomAD v4.1: 2 of 1,614,130 alleles (0.00012%); highest among the groups gnomAD compares: South Asian, 0.0022%; no homozygotes.

Submission:

Labcorp Genetics (formerly Invitae), Labcorp
Classification: Uncertain significance. Last evaluated: 2023-02-16. Review status: criteria provided, single submitter. Criteria: Invitae Variant Classification Sherloc (09022015). Collection method: clinical testing. Allele origin: germline.
Comment: This sequence change replaces lysine, which is basic and polar, with arginine, which is basic and polar, at codon 143 of the ESR2 protein (p.Lys143Arg). This variant is present in population databases (rs757984082, gnomAD 0.003%). This variant has not been reported in the literature in individuals affected with ESR2-related conditions. Advanced modeling of protein sequence and biophysical properties (such as structural, functional, and spatial information, amino acid conservation, physicochemical variation, residue mobility, and thermodynamic stability) performed at Invitae indicates that this missense variant is not expected to disrupt ESR2 protein function. In summary, the available evidence is currently insufficient to determine the role of this variant in disease. Therefore, it has been classified as a Variant of Uncertain Significance.

NM_001437.3(ESR2):c.428A>G (p.Lys143Arg)

Gene: ESR2 (estrogen receptor 2; minus strand). Cytogenetic location: 14q23.2.
Variant type: single nucleotide variant.
Coding change: c.428A>G on transcript NM_001437.3 (MANE Select); coding-DNA position 428, A replaced by G.
Protein change: p.Lys143Arg; replaces lysine 143 with arginine.
Molecular consequence: missense variant. On other transcripts: non-coding transcript variant (1).
Genome position (GRCh38, 1-based): chr14:64,280,088, T>C on the plus strand (A>G on the coding strand, the complement: ESR2 is on the minus strand). VCF-style: chr14-64280088-T-C. GRCh37 (hg19) VCF-style: chr14-64746806-T-C.
Other names: c.428A>G, p.Lys143Arg (NM_001271877.1, NM_001291712.2, NM_001291723.1 and 3 more transcripts); short protein forms K143R.
Identifiers: ClinVar variation 2766187 (VCV002766187.3), dbSNP rs757984082, ClinGen allele CA7225591.